The following is an entry in ClinVar:

ClinVar aggregate classification (germline): Uncertain significance (1 of 4 stars; one submission).

Conditions:
Neonatal-onset encephalopathy with rigidity and seizures. Also called: Lethal neonatal spasticity-epileptic encephalopathy syndrome. Identifiers: Orphanet 435845, MedGen C3281029, MONDO:0013784, OMIM 614498.

Submission:

Labcorp Genetics (formerly Invitae), Labcorp
Classification: Uncertain significance for Neonatal-onset encephalopathy with rigidity and seizures. Last evaluated: 2022-07-06. Review status: criteria provided, single submitter. Criteria: Invitae Variant Classification Sherloc (09022015). Collection method: clinical testing. Allele origin: germline.
Comment: This sequence change replaces leucine, which is neutral and non-polar, with glutamine, which is neutral and polar, at codon 168 of the BRAT1 protein (p.Leu168Gln). This variant is not present in population databases (gnomAD no frequency). This variant has not been reported in the literature in individuals affected with BRAT1-related conditions. ClinVar contains an entry for this variant (Variation ID: 1045065). Algorithms developed to predict the effect of missense changes on protein structure and function (SIFT, PolyPhen-2, Align-GVGD) all suggest that this variant is likely to be disruptive. In summary, the available evidence is currently insufficient to determine the role of this variant in disease. Therefore, it has been classified as a Variant of Uncertain Significance.

NM_152743.4(BRAT1):c.503T>A (p.Leu168Gln)

Gene: BRAT1 (BRCA1 associated ATM activator 1; minus strand). Cytogenetic location: 7p22.3.
Variant type: single nucleotide variant.
Coding change: c.503T>A on transcript NM_152743.4 (MANE Select); coding-DNA position 503, T replaced by A.
Protein change: p.Leu168Gln; replaces leucine 168 with glutamine.
Molecular consequence: missense variant. On other transcripts: 5 prime UTR variant (1), non-coding transcript variant (1).
Genome position (GRCh38, 1-based): chr7:2,543,890, A>T on the plus strand (T>A on the coding strand, the complement: BRAT1 is on the minus strand). VCF-style: chr7-2543890-A-T. GRCh37 (hg19) VCF-style: chr7-2583524-A-T.
Other names: c.503T>A, p.Leu168Gln (NM_001350626.2); c.-23T>A (NM_001350627.2); short protein forms L168Q.
Identifiers: ClinVar variation 1045065 (VCV001045065.8), dbSNP rs1779384767, ClinGen allele CA366632353.
Genomic context (GRCh38, chr7:2,543,890, plus strand): 5'-CCCGGCAGGCAGGGCTGCCCCTCGGCTCCACCTCGCATGGACAAAGCCAGGACGTGCACC[A>T]GGAGCTGACTGGCCGCCGAGGCCACAAACAGGCTGGAGTCTCCCTGCAGGGAGAAGATGG-3'
Protein context (NP_689956.2, residues 158-178): LFVASAASQL[Leu168Gln]VHVLALSMRG